The following is an entry in ClinVar:

ClinVar aggregate classification (germline): Uncertain significance (1 of 4 stars; one submission).

gnomAD v4.1: 2 of 1,614,138 alleles (0.00012%); highest among the groups gnomAD compares: Admixed American, 0.0017%; no homozygotes.

Submission:

CeGaT Center for Human Genetics Tuebingen
Classification: Uncertain significance. Last evaluated: 2026-09-01. Review status: criteria provided, single submitter. Criteria: CeGaT Center For Human Genetics Tuebingen Variant Classification Criteria Version 2. Collection method: clinical testing. Allele origin: germline. Affected: yes. Observed: 1 variant allele.
Comment: MAP1B: PM2, BP4

NM_005909.5(MAP1B):c.6374A>T (p.Gln2125Leu)

Gene: MAP1B (microtubule associated protein 1B; plus strand). Cytogenetic location: 5q13.2.
Variant type: single nucleotide variant.
Coding change: c.6374A>T on transcript NM_005909.5 (MANE Select); coding-DNA position 6374, A replaced by T.
Protein change: p.Gln2125Leu; replaces glutamine 2125 with leucine.
Molecular consequence: missense variant.
Genome position (GRCh38, 1-based): chr5:72,199,729, A>T. VCF-style: chr5-72199729-A-T. GRCh37 (hg19) VCF-style: chr5-71495556-A-T.
Other names: c.5996A>T, p.Gln1999Leu (NM_001324255.2); short protein forms Q1999L, Q2125L.
Identifiers: ClinVar variation 5041768 (VCV005041768.1).